The following is an entry in ClinVar:

NM_000455.5(STK11):c.38C>G (p.Thr13Arg)

Gene: STK11 (serine/threonine kinase 11; plus strand). Cytogenetic location: 19p13.3.
Variant type: single nucleotide variant.
Coding change: c.38C>G on transcript NM_000455.5 (MANE Select); coding-DNA position 38, C replaced by G.
Protein change: p.Thr13Arg; replaces threonine 13 with arginine.
Molecular consequence: missense variant.
Genome position (GRCh38, 1-based): chr19:1,206,951, C>G. VCF-style: chr19-1206951-C-G. GRCh37 (hg19) VCF-style: chr19-1206950-C-G.
Other names: short protein forms T13R.
Identifiers: ClinVar variation 1389446 (VCV001389446.6), dbSNP rs1599914790, ClinGen allele CA402943169.

ClinVar aggregate classification (germline): Uncertain significance (1 of 4 stars; one submission).

Conditions:
Peutz-Jeghers syndrome (PJS). Also called: Peutz-Jeghers polyposis; Periorificial lentiginosis syndrome; POLYPOSIS, HAMARTOMATOUS INTESTINAL; POLYPS-AND-SPOTS SYNDROME. Identifiers: Orphanet 2869, MedGen C0031269, MeSH D010580, MONDO:0008280, OMIM 175200.

Submission:

Labcorp Genetics (formerly Invitae), Labcorp
Classification: Uncertain significance for Peutz-Jeghers syndrome. Last evaluated: 2021-10-25. Review status: criteria provided, single submitter. Criteria: Invitae Variant Classification Sherloc (09022015). Collection method: clinical testing. Allele origin: germline.
Comment: In summary, the available evidence is currently insufficient to determine the role of this variant in disease. Therefore, it has been classified as a Variant of Uncertain Significance. Advanced modeling of protein sequence and biophysical properties (such as structural, functional, and spatial information, amino acid conservation, physicochemical variation, residue mobility, and thermodynamic stability) performed at Invitae indicates that this missense variant is not expected to disrupt STK11 protein function. This variant has not been reported in the literature in individuals affected with STK11-related conditions. This variant is not present in population databases (gnomAD no frequency). This sequence change replaces threonine, which is neutral and polar, with arginine, which is basic and polar, at codon 13 of the STK11 protein (p.Thr13Arg).